The following is an entry in ClinVar:

NM_000132.4(F8):c.5101G>A (p.Glu1701Lys)

Gene: F8 (coagulation factor VIII; minus strand). Cytogenetic location: Xq28.
Variant type: single nucleotide variant.
Coding change: c.5101G>A on transcript NM_000132.4 (MANE Select); coding-DNA position 5101, G replaced by A.
Protein change: p.Glu1701Lys; replaces glutamic acid 1701 with lysine.
Molecular consequence: missense variant.
Genome position (GRCh38, 1-based): chrX:154,928,689, C>T on the plus strand (G>A on the coding strand, the complement: F8 is on the minus strand). VCF-style: chrX-154928689-C-T. GRCh37 (hg19) VCF-style: chrX-154156964-C-T.
Other names: p.Glu1701Lys; short protein forms E1701K.
Identifiers: ClinVar variation 2683573 (VCV002683573.3), dbSNP rs2073173294, ClinGen allele CA414913935.

ClinVar aggregate classification (germline): Likely pathogenic. Review status: criteria provided, multiple submitters, no conflicts (2 of 4 stars). 3 submissions from 3 submitters: Likely pathogenic (3). Last evaluated 2025-09-05.

Conditions:
Factor VIII deficiency. Identifiers: MedGen C3494187, OMIM 134500.
Hereditary factor VIII deficiency disease (HEMA). Also called: HEMOPHILIA, CLASSIC; AUTOSOMAL HEMOPHILIA A; Hemophilia A; Hemophilia A, congenital; HEM A; Factor 8 deficiency, congenital. Identifiers: Orphanet 98878, MedGen C0019069, MONDO:0010602, OMIM 306700.

Allele frequency attached by ClinVar (database versions not stated): gnomAD exomes below 0.00001; TOPMed 0.00001.
gnomAD v4.1: 6 of 1,209,479 alleles (0.0005%); highest among the groups gnomAD compares: Non-Finnish European, 0.00056%; no homozygotes.

Submissions (3):

North West Genomic Laboratory Hub, Manchester University NHS Foundation Trust
Classification: Likely pathogenic for Factor VIII deficiency. Last evaluated: 2025-09-05. Review status: criteria provided, single submitter. Criteria: ACGS Best Practice Guidelines for Variant Classification in Rare Disease 2024. Collection method: clinical testing. Allele origin: germline. Affected: yes.
Comment: PP3_Supp PM2_Mod PP4_Mod PS4_Mod

Women's Health and Genetics/Laboratory Corporation of America, LabCorp
Classification: Likely pathogenic for Hereditary factor VIII deficiency disease. Last evaluated: 2024-01-18. Review status: criteria provided, single submitter. Criteria: LabCorp Variant Classification Summary - May 2015. Collection method: clinical testing. Allele origin: germline.
Comment: Variant summary: F8 c.5101G>A (p.Glu1701Lys) results in a conservative amino acid change in the encoded protein sequence. Three of five in-silico tools predict a benign effect of the variant on protein function. The variant was absent in 180470 control chromosomes (gnomAD). c.5101G>A has been reported in the literature in male individuals affected with Factor VIII Deficiency (Hemophilia A)(e.g. Hill_2005, Bowyer_2013). These data indicate that the variant is likely to be associated with disease. To our knowledge, no experimental evidence demonstrating an impact on protein function has been reported. The following publications have been ascertained in the context of this evaluation (PMID: 23812942, 15810915). ClinVar contains an entry for this variant (Variation ID: 2683573). Based on the evidence outlined above, the variant was classified as likely pathogenic.

Mayo Clinic Laboratories, Mayo Clinic
Classification: Likely pathogenic. Last evaluated: 2023-02-02. Review status: criteria provided, single submitter. Criteria: ACMG Guidelines, 2015. Collection method: clinical testing. Allele origin: germline. Observed: 1 variant allele.
Comment: PM1, PM2, PS4_moderate

Literature cited by the submitters: PubMed 15810915 (cited by Women's Health and Genetics/Laboratory Corporation of America, LabCorp); PubMed 23812942 (cited by Women's Health and Genetics/Laboratory Corporation of America, LabCorp).